The following continues an entry in ClinVar:

NM_001267550.2(TTN):c.100432T>G (p.Trp33478Gly)

ClinVar aggregate classification (germline): Conflicting classifications of pathogenicity. Uncertain significance (13); Benign (2); Likely benign (5).

Submissions 15 to 20 of 20:

Illumina Laboratory Services, Illumina
Classification: Benign for Tibial muscular dystrophy. Last evaluated: 2018-01-12. Review status: criteria provided, single submitter. Criteria: ICSL Variant Classification Criteria 13 December 2019. Collection method: clinical testing. Allele origin: germline.
Comment: This variant was observed in the ICSL laboratory as part of a predisposition screen in an ostensibly healthy population. It had not been previously curated by ICSL or reported in the Human Gene Mutation Database (HGMD: prior to June 1st, 2018), and was therefore a candidate for classification through an automated scoring system. Utilizing variant allele frequency, disease prevalence and penetrance estimates, and inheritance mode, an automated score was calculated to assess if this variant is too frequent to cause the disease. Based on the score and internal cut-off values, a variant classified as benign is not then subjected to further curation. The score for this variant resulted in a classification of benign for this disease.

Illumina Laboratory Services, Illumina
Classification: Uncertain significance for Autosomal recessive limb-girdle muscular dystrophy type 2J. Last evaluated: 2018-01-12. Review status: criteria provided, single submitter. Criteria: ICSL Variant Classification Criteria 13 December 2019. Collection method: clinical testing. Allele origin: germline.

Illumina Laboratory Services, Illumina
Classification: Uncertain significance for Dilated cardiomyopathy 1G. Last evaluated: 2018-01-12. Review status: criteria provided, single submitter. Criteria: ICSL Variant Classification Criteria 13 December 2019. Collection method: clinical testing. Allele origin: germline.

Illumina Laboratory Services, Illumina
Classification: Uncertain significance for Early-onset myopathy with fatal cardiomyopathy. Last evaluated: 2018-01-12. Review status: criteria provided, single submitter. Criteria: ICSL Variant Classification Criteria 13 December 2019. Collection method: clinical testing. Allele origin: germline.

Illumina Laboratory Services, Illumina
Classification: Benign for Myopathy, myofibrillar, 9, with early respiratory failure. Last evaluated: 2018-01-12. Review status: criteria provided, single submitter. Criteria: ICSL Variant Classification Criteria 13 December 2019. Collection method: clinical testing. Allele origin: germline.
Comment: the same text as in the submission from Illumina Laboratory Services, Illumina above.

Labcorp Genetics (formerly Invitae), Labcorp
Classification: Uncertain significance for Dilated cardiomyopathy 1G; Autosomal recessive limb-girdle muscular dystrophy type 2J. Last evaluated: 2017-11-28. Review status: criteria provided, single submitter. Criteria: Invitae Variant Classification Sherloc (09022015). Collection method: clinical testing. Allele origin: germline.

Literature cited by the submitters: PubMed 26272908 (cited by 3 submitters); PubMed 24459294 (cited by 3 submitters); PubMed 29961767 (cited by Athena Diagnostics and Women's Health and Genetics/Laboratory Corporation of America, LabCorp); PubMed 28750076 (cited by Athena Diagnostics and Women's Health and Genetics/Laboratory Corporation of America, LabCorp); PubMed 26498160 (cited by Women's Health and Genetics/Laboratory Corporation of America, LabCorp).